The following is an entry in ClinVar:

NM_015346.4(ZFYVE26):c.2563A>T (p.Thr855Ser)

Gene: ZFYVE26 (zinc finger FYVE-type containing 26; minus strand). Cytogenetic location: 14q24.1.
Variant type: single nucleotide variant.
Coding change: c.2563A>T on transcript NM_015346.4 (MANE Select); coding-DNA position 2563, A replaced by T.
Protein change: p.Thr855Ser; replaces threonine 855 with serine.
Molecular consequence: missense variant.
Genome position (GRCh38, 1-based): chr14:67,790,764, T>A on the plus strand (A>T on the coding strand, the complement: ZFYVE26 is on the minus strand). VCF-style: chr14-67790764-T-A. GRCh37 (hg19) VCF-style: chr14-68257481-T-A.
Other names: short protein forms T855S.
Identifiers: ClinVar variation 3370058 (VCV003370058.2).

ClinVar aggregate classification (germline): Uncertain significance. Review status: criteria provided, multiple submitters, no conflicts (2 of 4 stars). 2 submissions from 2 submitters: Uncertain significance (2). Last evaluated 2023-12-26.

gnomAD v4.1: 7 of 1,614,094 alleles (0.00043%); highest among the groups gnomAD compares: Non-Finnish European, 0.00051%; no homozygotes.

Submissions (2):

GeneDx
Classification: Uncertain significance. Last evaluated: 2023-12-26. Review status: criteria provided, single submitter. Criteria: GeneDx Variant Classification Process June 2021. Collection method: clinical testing. Allele origin: germline. Affected: yes.
Comment: Not observed at significant frequency in large population cohorts (gnomAD); In silico analysis supports that this missense variant does not alter protein structure/function; Has not been previously published as pathogenic or benign to our knowledge

Blueprint Genetics
Classification: Uncertain significance. Last evaluated: 2018-12-27. Review status: criteria provided, single submitter. Criteria: ACMG Guidelines, 2015. Collection method: clinical testing. Allele origin: germline.